The following is an entry in ClinVar:

ClinVar aggregate classification (germline): Uncertain significance. Review status: criteria provided, multiple submitters, no conflicts (2 of 4 stars). 4 submissions from 4 submitters: Uncertain significance (4). Last evaluated 2025-12-04.

Conditions:
Inborn genetic diseases. Identifiers: MedGen C0950123, MeSH D030342.

Allele frequency attached by ClinVar (database versions not stated): gnomAD exomes below 0.00001.
gnomAD v4.1: 3 of 1,613,034 alleles (0.00019%); highest among the groups gnomAD compares: Non-Finnish European, 0.00017%; no homozygotes.

Submissions (4):

Women's Health and Genetics/Laboratory Corporation of America, LabCorp
Classification: Uncertain significance. Last evaluated: 2025-12-04. Review status: criteria provided, single submitter. Criteria: LabCorp Variant Classification Summary - May 2015. Collection method: clinical testing. Allele origin: germline.
Comment: Variant summary: ACTL6B c.603G>A (p.Met201Ile) results in a conservative amino acid change in the encoded protein sequence. Algorithms developed to predict the effect of missense changes on protein structure and function are either unavailable or do not agree on the potential impact of this missense change. The variant was absent in 250000 control chromosomes. The available data on variant occurrences in the general population are insufficient to allow any conclusion about variant significance. To our knowledge, no occurrence of c.603G>A in individuals affected with ACTL6B-related conditions and no experimental evidence demonstrating its impact on protein function have been reported. ClinVar contains an entry for this variant (Variation ID: 1315058). Based on the evidence outlined above, the variant was classified as uncertain significance.

Ambry Genetics
Classification: Uncertain significance for Inborn genetic diseases. Last evaluated: 2025-02-13. Review status: criteria provided, single submitter. Criteria: Ambry Variant Classification Scheme 2023. Collection method: clinical testing. Allele origin: germline.

Blueprint Genetics
Classification: Uncertain significance. Last evaluated: 2024-09-15. Review status: criteria provided, single submitter. Criteria: ACMG Guidelines, 2015. Collection method: clinical testing. Allele origin: germline.

GeneDx
Classification: Uncertain significance. Last evaluated: 2020-01-29. Review status: criteria provided, single submitter. Criteria: GeneDx Variant Classification Process June 2021. Collection method: clinical testing. Allele origin: germline. Affected: yes.
Comment: Not observed in large population cohorts (Lek et al., 2016); In silico analysis, which includes protein predictors and evolutionary conservation, supports that this variant does not alter protein structure/function; Has not been previously published as pathogenic or benign to our knowledge

NM_016188.5(ACTL6B):c.603G>A (p.Met201Ile)

Gene: ACTL6B (actin like 6B; minus strand). Cytogenetic location: 7q22.1.
Variant type: single nucleotide variant.
Coding change: c.603G>A on transcript NM_016188.5 (MANE Select); coding-DNA position 603, G replaced by A.
Protein change: p.Met201Ile; replaces methionine 201 with isoleucine.
Molecular consequence: missense variant. On other transcripts: non-coding transcript variant (1).
Genome position (GRCh38, 1-based): chr7:100,648,622, C>T on the plus strand (G>A on the coding strand, the complement: ACTL6B is on the minus strand). VCF-style: chr7-100648622-C-T. GRCh37 (hg19) VCF-style: chr7-100246245-C-T.
Other names: short protein forms M201I.
Identifiers: ClinVar variation 1315058 (VCV001315058.5), dbSNP rs2131334768, ClinGen allele CA368545206.